The following is an entry in ClinVar:

ClinVar aggregate classification (germline): Pathogenic. Review status: criteria provided, multiple submitters, no conflicts (2 of 4 stars). 4 submissions from 4 submitters: Pathogenic (4). Last evaluated 2025-02-26.

Conditions:
PURA-related disorder. Also called: PURA-related condition.
PURA-related severe neonatal hypotonia-seizures-encephalopathy syndrome (NEDRIHF). Also called: NEURODEVELOPMENTAL DISORDER WITH NEONATAL RESPIRATORY INSUFFICIENCY, HYPOTONIA, AND FEEDING DIFFICULTIES; PURA-Related Neurodevelopmental Disorders. Identifiers: Orphanet 438213, Orphanet 438216, MedGen C4015357, MONDO:1060108, OMIM 616158, MONDO:0018580.

Submissions (4):

Institute of Human Genetics, Clinical Exome/Genome Diagnostics Group, University Hospital Bonn
Classification: Pathogenic for PURA-related severe neonatal hypotonia-seizures-encephalopathy syndrome. Last evaluated: 2025-02-26. Review status: criteria provided, single submitter. Criteria: ACMG Guidelines, 2015. Collection method: clinical testing. Allele origin: de novo. Inheritance: Autosomal dominant inheritance. Affected: yes. Observed: 1 heterozygote.
Comment: PVS1_strong, PS2, PS4_supporting, PM2_supporting

Baylor Genetics
Classification: Pathogenic for PURA-related severe neonatal hypotonia-seizures-encephalopathy syndrome. Last evaluated: 2023-06-25. Review status: criteria provided, single submitter. Criteria: ACMG Guidelines, 2015. Collection method: clinical testing. Allele origin: unknown.

Blueprint Genetics
Classification: Pathogenic for PURA-related disorders. Last evaluated: 2021-09-20. Review status: criteria provided, single submitter. Criteria: ACMG Guidelines, 2015. Collection method: clinical testing. Allele origin: de novo. Affected: yes. Observed: 1 variant allele.

Labcorp Genetics (formerly Invitae), Labcorp
Classification: Pathogenic for PURA-related severe neonatal hypotonia-seizures-encephalopathy syndrome. Last evaluated: 2019-04-29. Review status: criteria provided, single submitter. Criteria: Invitae Variant Classification Sherloc (09022015). Collection method: clinical testing. Allele origin: germline.
Comment: This variant disrupts the C-terminus of the PURA protein. Other variant(s) that disrupt this region (p.Q186* and p.Y261*) have been determined to be pathogenic (PMID: 25439098). This suggests that variants that disrupt this region of the protein are likely to be causative of disease. For these reasons, this variant has been classified as Pathogenic. This variant has not been reported in the literature in individuals with PURA-related conditions. This sequence change results in a premature translational stop signal in the PURA gene (p.Ser26*). While this is not anticipated to result in nonsense mediated decay, it is expected to disrupt the last 297 amino acids of the PURA protein. The frequency data for this variant in the population databases is considered unreliable, as metrics indicate insufficient coverage at this position in the ExAC database.

Literature cited by the submitters: PubMed 25439098 (cited by Labcorp Genetics (formerly Invitae), Labcorp).

NM_005859.5(PURA):c.77C>A (p.Ser26Ter)

Gene: PURA (purine rich element binding protein A; plus strand). Cytogenetic location: 5q31.3.
Variant type: single nucleotide variant.
Coding change: c.77C>A on transcript NM_005859.5 (MANE Select); coding-DNA position 77, C replaced by A.
Protein change: p.Ser26Ter; replaces serine 26 with a stop codon.
Molecular consequence: nonsense.
Genome position (GRCh38, 1-based): chr5:140,114,258, C>A. VCF-style: chr5-140114258-C-A. GRCh37 (hg19) VCF-style: chr5-139493843-C-A.
Other names: short protein forms S26*.
Identifiers: ClinVar variation 951036 (VCV000951036.13), dbSNP rs1763036339, ClinGen allele CA361489218.